The following is an entry in ClinVar:

NM_000216.4(ANOS1):c.1568G>A (p.Cys523Tyr)

Gene: ANOS1 (anosmin 1; minus strand). Cytogenetic location: Xp22.31.
Variant type: single nucleotide variant.
Coding change: c.1568G>A on transcript NM_000216.4 (MANE Select); coding-DNA position 1568, G replaced by A.
Protein change: p.Cys523Tyr; replaces cysteine 523 with tyrosine.
Molecular consequence: missense variant.
Genome position (GRCh38, 1-based): chrX:8,536,824, C>T on the plus strand (G>A on the coding strand, the complement: ANOS1 is on the minus strand). VCF-style: chrX-8536824-C-T. GRCh37 (hg19) VCF-style: chrX-8504865-C-T.
Other names: short protein forms C523Y.
Identifiers: ClinVar variation 4809337 (VCV004809337.1).

ClinVar aggregate classification (germline): Uncertain significance (1 of 4 stars; one submission).

Conditions:
Hypogonadotropic hypogonadism 1 with or without anosmia (HH1). Also called: Hypogonadotropic hypogonadism 1 with or without anosmia (Kallmann syndrome 1); HYPOGONADOTROPIC HYPOGONADISM AND ANOSMIA; KAL1-Related GnRH Deficiency (Kallmann Syndrome 1; Kallmann Syndrome, X-Linked); Kallmann syndrome, type 1, X-linked; DYSPLASIA OLFACTOGENITALIS OF DE MORSIER; HYPOGONADOTROPIC HYPOGONADISM 1 WITH ANOSMIA. Identifiers: Orphanet 478, MedGen C1563719, MONDO:0010635, OMIM 308700. Disease mechanism: loss of function.

Submission:

Labcorp Genetics (formerly Invitae), Labcorp
Classification: Uncertain significance for Hypogonadotropic hypogonadism 1 with or without anosmia. Last evaluated: 2025-06-27. Review status: criteria provided, single submitter. Criteria: Invitae Variant Classification Sherloc (09022015). Collection method: clinical testing. Allele origin: germline.
Comment: This sequence change replaces cysteine, which is neutral and slightly polar, with tyrosine, which is neutral and polar, at codon 523 of the ANOS1 protein (p.Cys523Tyr). This variant is not present in population databases (gnomAD no frequency). This variant has not been reported in the literature in individuals affected with ANOS1-related conditions. Invitae Evidence Modeling of protein sequence and biophysical properties (such as structural, functional, and spatial information, amino acid conservation, physicochemical variation, residue mobility, and thermodynamic stability) indicates that this missense variant is expected to disrupt ANOS1 protein function with a positive predictive value of 80%. In summary, the available evidence is currently insufficient to determine the role of this variant in disease. Therefore, it has been classified as a Variant of Uncertain Significance.